The following is an entry in ClinVar:

NM_130384.3(ATRIP):c.1313C>T (p.Ala438Val)

Genes: ATRIP (ATR interacting protein; plus strand), ATRIP-TREX1 (ATRIP-TREX1 readthrough; plus strand). Cytogenetic location: 3p21.31.
Variant type: single nucleotide variant.
Coding change: c.1313C>T on transcript NM_130384.3 (MANE Select); coding-DNA position 1313, C replaced by T.
Protein change: p.Ala438Val; replaces alanine 438 with valine.
Molecular consequence: missense variant. On other transcripts: non-coding transcript variant (1).
Genome position (GRCh38, 1-based): chr3:48,460,367, C>T. VCF-style: chr3-48460367-C-T. GRCh37 (hg19) VCF-style: chr3-48501766-C-T.
Other names: c.932C>T, p.Ala311Val (NM_001271022.2); c.1034C>T, p.Ala345Val (NM_001271023.2); c.1313C>T, p.Ala438Val (NM_032166.4); short protein forms A311V, A345V, A438V.
Identifiers: ClinVar variation 4867261 (VCV004867261.1).

ClinVar aggregate classification (germline): Uncertain significance (1 of 4 stars; one submission).

gnomAD v4.1: 3 of 1,613,256 alleles (0.00019%); highest among the groups gnomAD compares: Non-Finnish European, 0.00017%; no homozygotes.

Submission:

Ambry Genetics
Classification: Uncertain significance. Last evaluated: 2026-06-04. Review status: criteria provided, single submitter. Criteria: Ambry Variant Classification Scheme 2023. Collection method: clinical testing. Allele origin: germline.
Comment: The p.A438V variant (also known as c.1313C>T), located in coding exon 8 of the ATRIP gene, results from a C to T substitution at nucleotide position 1313. The alanine at codon 438 is replaced by valine, an amino acid with similar properties. This amino acid position is conserved. In addition, this alteration is predicted to be tolerated by in silico analysis. Based on the available evidence, the clinical significance of this variant remains unclear.